The following is an entry in ClinVar:

NM_025137.4(SPG11):c.6660G>A (p.Met2220Ile)

Gene: SPG11 (SPG11 vesicle trafficking associated, spatacsin; minus strand). Cytogenetic location: 15q21.1.
Variant type: single nucleotide variant.
Coding change: c.6660G>A on transcript NM_025137.4 (MANE Select); coding-DNA position 6660, G replaced by A.
Protein change: p.Met2220Ile; replaces methionine 2220 with isoleucine.
Molecular consequence: missense variant.
Genome position (GRCh38, 1-based): chr15:44,567,518, C>T on the plus strand (G>A on the coding strand, the complement: SPG11 is on the minus strand). VCF-style: chr15-44567518-C-T. GRCh37 (hg19) VCF-style: chr15-44859716-C-T.
Other names: c.6321G>A, p.Met2107Ile (NM_001160227.2); short protein forms M2220I, M2107I.
Identifiers: ClinVar variation 582567 (VCV000582567.9), dbSNP rs763092541, ClinGen allele CA7534052.

ClinVar aggregate classification (germline): Uncertain significance. Review status: criteria provided, multiple submitters, no conflicts (2 of 4 stars). 2 submissions from 2 submitters: Uncertain significance (2). Last evaluated 2021-09-01.

Conditions:
Inborn genetic diseases. Identifiers: MedGen C0950123, MeSH D030342.
Hereditary spastic paraplegia 11. Also called: Spastic paraplegia, mental retardation and thin corpus callosum; SPASTIC PARAPLEGIA, AUTOSOMAL RECESSIVE, COMPLICATED, WITH THIN CORPUS CALLOSUM; SPASTIC PARAPLEGIA, AUTOSOMAL RECESSIVE, WITH MENTAL IMPAIRMENT AND THIN CORPUS CALLOSUM; Spastic Paraplegia 11; Nakamura Osame syndrome; Autosomal recessive hereditary spastic paraplegia, mental impairment, and thin corpus callosum. Identifiers: Orphanet 2822, MedGen C1858479, MONDO:0011445, OMIM 604360.

Allele frequency attached by ClinVar (database versions not stated): gnomAD exomes 0.00001 and below 0.00001; TOPMed 0.00001; ExAC 0.00001; gnomAD 0.00001.
gnomAD v4.1: 10 of 1,613,938 alleles (0.00062%); highest among the groups gnomAD compares: South Asian, 0.0011%; no homozygotes.

Submissions (2):

Labcorp Genetics (formerly Invitae), Labcorp
Classification: Uncertain significance for Hereditary spastic paraplegia 11. Last evaluated: 2021-09-01. Review status: criteria provided, single submitter. Criteria: Invitae Variant Classification Sherloc (09022015). Collection method: clinical testing. Allele origin: germline.
Comment: This sequence change replaces methionine with isoleucine at codon 2220 of the SPG11 protein (p.Met2220Ile). The methionine residue is highly conserved and there is a small physicochemical difference between methionine and isoleucine. This variant is present in population databases (rs763092541, ExAC 0.006%). This variant has not been reported in the literature in individuals affected with SPG11-related conditions. Algorithms developed to predict the effect of missense changes on protein structure and function are either unavailable or do not agree on the potential impact of this missense change (SIFT: "Deleterious"; PolyPhen-2: "Benign"; Align-GVGD: "Class C0"). In summary, the available evidence is currently insufficient to determine the role of this variant in disease. Therefore, it has been classified as a Variant of Uncertain Significance.

Ambry Genetics
Classification: Uncertain significance for Inborn genetic diseases. Last evaluated: 2020-03-18. Review status: criteria provided, single submitter. Criteria: Ambry Variant Classification Scheme 2023. Collection method: clinical testing. Allele origin: germline.
Comment: The p.M2220I variant (also known as c.6660G>A), located in coding exon 36 of the SPG11 gene, results from a G to A substitution at nucleotide position 6660. The methionine at codon 2220 is replaced by isoleucine, an amino acid with highly similar properties. This amino acid position is highly conserved in available vertebrate species. In addition, this alteration is predicted to be deleterious by in silico analysis. Since supporting evidence is limited at this time, the clinical significance of this alteration remains unclear.